The following is an entry in ClinVar:

ClinVar aggregate classification (germline): Uncertain significance (1 of 4 stars; one submission).

Conditions:
Hereditary cancer-predisposing syndrome. Also called: Tumor predisposition; Hereditary Cancer Syndrome; Hereditary neoplastic syndrome; Neoplastic Syndromes, Hereditary. Identifiers: Orphanet 140162, MedGen C0027672, MeSH D009386, MONDO:0015356.

gnomAD v4.1: 1 of 1,611,528 alleles (0.000062%); highest among the groups gnomAD compares: Non-Finnish European, 0.000085%; no homozygotes.

Submission:

Ambry Genetics
Classification: Uncertain significance for Hereditary cancer-predisposing syndrome. Last evaluated: 2024-06-11. Review status: criteria provided, single submitter. Criteria: Ambry Variant Classification Scheme 2023. Collection method: clinical testing. Allele origin: germline.
Comment: The p.E112D variant (also known as c.336G>T), located in coding exon 2 of the PHOX2B gene, results from a G to T substitution at nucleotide position 336. The glutamic acid at codon 112 is replaced by aspartic acid, an amino acid with highly similar properties. This amino acid position is conserved. In addition, this alteration is predicted to be deleterious by in silico analysis. Based on the available evidence, the clinical significance of this variant remains unclear.

NM_003924.4(PHOX2B):c.336G>T (p.Glu112Asp)

Gene: PHOX2B (paired like homeobox 2B; minus strand). Cytogenetic location: 4p13.
Variant type: single nucleotide variant.
Coding change: c.336G>T on transcript NM_003924.4 (MANE Select); coding-DNA position 336, G replaced by T.
Protein change: p.Glu112Asp; replaces glutamic acid 112 with aspartic acid.
Molecular consequence: missense variant.
Genome position (GRCh38, 1-based): chr4:41,747,442, C>A on the plus strand (G>T on the coding strand, the complement: PHOX2B is on the minus strand). VCF-style: chr4-41747442-C-A. GRCh37 (hg19) VCF-style: chr4-41749459-C-A.
Other names: short protein forms E112D.
Identifiers: ClinVar variation 3306285 (VCV003306285.1).
Genomic context (GRCh38, chr4:41,747,442, plus strand): 5'-GGCCAGCTCCTCCCGAGTGTAGATGTCGGGGTAGTGAGTCTCCGCGAAGACCCTTTCCAG[C>A]TCTTTGAGCTGGGCACTGGTGAAAGTGGTGCGGATGCGCCGCTGCTTGCGCTTCTCGTTG-3'
Protein context (NP_003915.2, residues 102-122): RTTFTSAQLK[Glu112Asp]LERVFAETHY